The following is an entry in ClinVar:

ClinVar aggregate classification (germline): Uncertain significance (1 of 4 stars; one submission).

Conditions:
Multiple sulfatase deficiency (MSD). Also called: Mucosulfatidosis; Multiple Sulfatase Deficiency Disease; Sulfatidosis, Juvenile, Austin Type. Identifiers: Orphanet 585, MedGen C0268263, MONDO:0010088, OMIM 272200.

Submission:

Labcorp Genetics (formerly Invitae), Labcorp
Classification: Uncertain significance for Multiple sulfatase deficiency. Last evaluated: 2021-05-21. Review status: criteria provided, single submitter. Criteria: Invitae Variant Classification Sherloc (09022015). Collection method: clinical testing. Allele origin: germline.
Comment: In summary, the available evidence is currently insufficient to determine the role of this variant in disease. Therefore, it has been classified as a Variant of Uncertain Significance. Algorithms developed to predict the effect of missense changes on protein structure and function are either unavailable or do not agree on the potential impact of this missense change (SIFT: "Deleterious"; PolyPhen-2: "Benign"; Align-GVGD: "Class C0"). This variant has not been reported in the literature in individuals with SUMF1-related conditions. This variant is not present in population databases (ExAC no frequency). This sequence change replaces threonine with arginine at codon 315 of the SUMF1 protein (p.Thr315Arg). The threonine residue is moderately conserved and there is a moderate physicochemical difference between threonine and arginine.

NM_182760.4(SUMF1):c.944C>G (p.Thr315Arg)

Gene: SUMF1 (sulfatase modifying factor 1; minus strand). Cytogenetic location: 3p26.1.
Variant type: single nucleotide variant.
Coding change: c.944C>G on transcript NM_182760.4 (MANE Select); coding-DNA position 944, C replaced by G.
Protein change: p.Thr315Arg; replaces threonine 315 with arginine.
Molecular consequence: missense variant.
Genome position (GRCh38, 1-based): chr3:4,410,875, G>C on the plus strand (C>G on the coding strand, the complement: SUMF1 is on the minus strand). VCF-style: chr3-4410875-G-C. GRCh37 (hg19) VCF-style: chr3-4452559-G-C.
Other names: c.869C>G, p.Thr290Arg (NM_001164674.2); c.944C>G, p.Thr315Arg (NM_001164675.2); short protein forms T290R, T315R.
Identifiers: ClinVar variation 1345933 (VCV001345933.6), dbSNP rs146164667, ClinGen allele CA351631146.